The following is an entry in ClinVar:

ClinVar aggregate classification (germline): Uncertain significance. Review status: criteria provided, multiple submitters, no conflicts (2 of 4 stars). 2 submissions from 2 submitters: Uncertain significance (2). Last evaluated 2025-10-01.

Conditions:
HS6ST1-related disorder. Also called: HS6ST1-related condition.

Submissions (2):

Ambry Genetics
Classification: Uncertain significance. Last evaluated: 2025-10-01. Review status: criteria provided, single submitter. Criteria: Ambry Variant Classification Scheme 2023. Collection method: clinical testing. Allele origin: germline.

PreventionGenetics, part of Exact Sciences
Classification: Uncertain significance for HS6ST1-related condition. Last evaluated: 2024-12-03. Review status: criteria provided, single submitter. Criteria: ACMG Guidelines, 2015. Collection method: clinical testing. Allele origin: germline.
Comment: The HS6ST1 c.520A>T variant is predicted to result in the amino acid substitution p.Thr174Ser. To our knowledge, this variant has not been reported in the literature. This variant is reported in 0.0049% of alleles in individuals of South Asian descent in gnomAD. At this time, the clinical significance of this variant is uncertain due to the absence of conclusive functional and genetic evidence.

NM_004807.3(HS6ST1):c.520A>T (p.Thr174Ser)

Genes: HS6ST1 (heparan sulfate 6-O-sulfotransferase 1; minus strand), LOC129934748 (ATAC-STARR-seq lymphoblastoid silent region 11948; plus strand). Cytogenetic location: 2q14.3.
Variant type: single nucleotide variant.
Coding change: c.520A>T on transcript NM_004807.3 (MANE Select); coding-DNA position 520, A replaced by T.
Protein change: p.Thr174Ser; replaces threonine 174 with serine.
Molecular consequence: missense variant.
Genome position (GRCh38, 1-based): chr2:128,318,044, T>A on the plus strand (A>T on the coding strand, the complement: HS6ST1 is on the minus strand). VCF-style: chr2-128318044-T-A. GRCh37 (hg19) VCF-style: chr2-129075618-T-A.
Other names: short protein forms T174S.
Identifiers: ClinVar variation 4676978 (VCV004676978.2).